The following is an entry in ClinVar:

ClinVar aggregate classification (germline): Likely benign (1 of 4 stars; one submission).

Allele frequency attached by ClinVar (database versions not stated): 1000 Genomes Project 30x 0.00016; 1000 Genomes Project 0.00020; TOPMed 0.00053; gnomAD 0.00070; ExAC 0.00075; gnomAD exomes 0.00082; ESP Exome Variant Server 0.00100.
gnomAD v4.1: 1,303 of 1,611,300 alleles (0.081%); highest among the groups gnomAD compares: Non-Finnish European, 0.098%; 2 homozygotes.

Submission:

CeGaT Center for Human Genetics Tuebingen
Classification: Likely benign. Last evaluated: 2023-01-01. Review status: criteria provided, single submitter. Criteria: CeGaT Center For Human Genetics Tuebingen Variant Classification Criteria Version 2. Collection method: clinical testing. Allele origin: germline. Affected: yes. Observed: 1 variant allele.
Comment: SHOC1: BP4

NM_001378211.1(SHOC1):c.779C>T (p.Ser260Leu)

Gene: SHOC1 (shortage in chiasmata 1; minus strand). Cytogenetic location: 9q31.3.
Variant type: single nucleotide variant.
Coding change: c.779C>T on transcript NM_001378211.1 (MANE Select); coding-DNA position 779, C replaced by T.
Protein change: p.Ser260Leu; replaces serine 260 with leucine.
Molecular consequence: missense variant. On other transcripts: non-coding transcript variant (1).
Genome position (GRCh38, 1-based): chr9:111,756,408, G>A on the plus strand (C>T on the coding strand, the complement: SHOC1 is on the minus strand). VCF-style: chr9-111756408-G-A. GRCh37 (hg19) VCF-style: chr9-114518688-G-A.
Other names: c.470C>T, p.Ser157Leu (NM_001080551.3, NM_001378212.1); c.587C>T, p.Ser196Leu (NM_173521.5); short protein forms S157L, S196L, S260L.
Identifiers: ClinVar variation 2659431 (VCV002659431.24), dbSNP rs147354564, ClinGen allele CA5188946.